The following is an entry in ClinVar:

NM_018089.3(ANKZF1):c.1985C>T (p.Ala662Val)

Gene: ANKZF1 (ankyrin repeat and zinc finger peptidyl tRNA hydrolase 1; plus strand). Cytogenetic location: 2q35.
Variant type: single nucleotide variant.
Coding change: c.1985C>T on transcript NM_018089.3 (MANE Select); coding-DNA position 1985, C replaced by T.
Protein change: p.Ala662Val; replaces alanine 662 with valine.
Molecular consequence: missense variant.
Genome position (GRCh38, 1-based): chr2:219,236,023, C>T. VCF-style: chr2-219236023-C-T. GRCh37 (hg19) VCF-style: chr2-220100745-C-T.
Other names: c.1985C>T, p.Ala662Val (NM_001042410.2); c.1355C>T, p.Ala452Val (NM_001282792.2); short protein forms A452V, A662V.
Identifiers: ClinVar variation 2749554 (VCV002749554.3), dbSNP rs1178714250, ClinGen allele CA350688552.

ClinVar aggregate classification (germline): Uncertain significance (1 of 4 stars; one submission).

Allele frequency attached by ClinVar (database versions not stated): gnomAD exomes below 0.00001.
gnomAD v4.1: 5 of 1,614,210 alleles (0.00031%); highest among the groups gnomAD compares: East Asian, 0.0022%; no homozygotes.

Submission:

Labcorp Genetics (formerly Invitae), Labcorp
Classification: Uncertain significance. Last evaluated: 2024-04-15. Review status: criteria provided, single submitter. Criteria: Invitae Variant Classification Sherloc (09022015). Collection method: clinical testing. Allele origin: germline.
Comment: This sequence change replaces alanine, which is neutral and non-polar, with valine, which is neutral and non-polar, at codon 662 of the ANKZF1 protein (p.Ala662Val). This variant is present in population databases (no rsID available, gnomAD 0.003%). This variant has not been reported in the literature in individuals affected with ANKZF1-related conditions. An algorithm developed to predict the effect of missense changes on protein structure and function (PolyPhen-2) suggests that this variant is likely to be disruptive. In summary, the available evidence is currently insufficient to determine the role of this variant in disease. Therefore, it has been classified as a Variant of Uncertain Significance.